The following is an entry in ClinVar:

NM_003801.4(GPAA1):c.1177_1178del (p.Trp393fs)

Gene: GPAA1 (glycosylphosphatidylinositol anchor attachment 1; plus strand). Cytogenetic location: 8q24.3.
Variant type: Microsatellite.
Coding change: c.1177_1178del on transcript NM_003801.4 (MANE Select); coding-DNA positions 1177 to 1178, 2 bases deleted (TG; older notation c.1177_1178delTG).
Protein change: p.Trp393fs; shifts the reading frame from tryptophan 393.
Molecular consequence: frameshift variant.
Genome position (GRCh38, 1-based): chr8:144,085,055-144,085,056, TG deleted; deleting any 2 consecutive bases within chr8:144,085,053-144,085,056 gives the same sequence; the c. name uses the placement nearest the transcript's 3' end. VCF-style (leftmost placement, unchanged base first): chr8-144085052-CTG-C. GRCh37 (hg19) VCF-style: chr8-145139955-CTG-C.
Other names: short protein forms W393fs.
Identifiers: ClinVar variation 3061118 (VCV003061118.2), dbSNP rs781908018, ClinGen allele CA4933087.

ClinVar aggregate classification (germline): Likely pathogenic (0 of 4 stars; one submission).

Conditions:
GPAA1-related disorder. Also called: GPAA1-related condition.

Submission:

PreventionGenetics, part of Exact Sciences
Classification: Likely pathogenic for GPAA1-related condition. Last evaluated: 2024-02-20. Review status: no assertion criteria provided. Collection method: clinical testing. Allele origin: germline.
Comment: The GPAA1 c.1177_1178delTG variant is predicted to result in a frameshift and premature protein termination (p.Trp393Aspfs*5). To our knowledge, this variant has not been reported in the literature. This variant is reported in 0.0034% of alleles in individuals of South Asian descent in gnomAD. Frameshift variants in GPAA1 are expected to be pathogenic. This variant is interpreted as likely pathogenic.